The following is an entry in ClinVar:

NM_031272.5(TEX14):c.136+10A>G

Gene: TEX14 (testis expressed 14, intercellular bridge forming factor; minus strand). Cytogenetic location: 17q22.
Variant type: single nucleotide variant.
Coding change: c.136+10A>G on transcript NM_031272.5 (MANE Select); 10 bases into the intron after coding-DNA position 136, A replaced by G.
Molecular consequence: intron variant.
Genome position (GRCh38, 1-based): chr17:58,651,856, T>C on the plus strand (A>G on the coding strand, the complement: TEX14 is on the minus strand). VCF-style: chr17-58651856-T-C. GRCh37 (hg19) VCF-style: chr17-56729217-T-C.
Other names: c.136+10A>G (NM_198393.4, NM_001201457.2).
Identifiers: ClinVar variation 4990738 (VCV004990738.1).
Genomic context (GRCh38, chr17:58,651,856, plus strand): 5'-TTCCTTTTCCTCTGAACGCTATTCAGAAATGTGTACCAAGGTGCATCTGCCATCTCAACA[T>C]GGTGCTTACCTTTCTTAAGAATTTTCTTCACTTTCACATAGTTCCCTTGTTTGACATACT-3'

ClinVar aggregate classification (germline): Likely benign (1 of 4 stars; one submission).

Conditions:
TEX14-related disorder. Also called: TEX14-related condition.

gnomAD v4.1: 195 of 1,599,082 alleles (0.012%); highest among the groups gnomAD compares: East Asian, 0.38%; no homozygotes.

Submission:

PreventionGenetics, part of Exact Sciences
Classification: Likely benign for TEX14-related condition. Last evaluated: 2026-06-16. Review status: criteria provided, single submitter. Criteria: ACMG Guidelines, 2015. Collection method: clinical testing. Allele origin: germline.
Comment: This variant is classified as likely benign based on ACMG/AMP sequence variant interpretation guidelines (Richards et al. 2015 PMID: 25741868, with internal and published modifications).